The following is an entry in ClinVar:

ClinVar aggregate classification (germline): Uncertain significance (1 of 4 stars; one submission).

Conditions:
Charcot-Marie-Tooth disease axonal type 2C (HMSN2C). Also called: CHARCOT-MARIE-TOOTH DISEASE, AXONAL, AUTOSOMAL DOMINANT, TYPE 2C; Charcot-Marie-Tooth Neuropathy Type 2C; Charcot-Marie-Tooth Disease Type 2, TRPV4-Related (CMT2C). Identifiers: Orphanet 99937, MedGen C1853710, MONDO:0011633, OMIM 606071.

gnomAD v4.1: 1 of 1,613,684 alleles (0.000062%); highest among the groups gnomAD compares: Non-Finnish European, 0.000085%; no homozygotes.

Submission:

Labcorp Genetics (formerly Invitae), Labcorp
Classification: Uncertain significance for Charcot-Marie-Tooth disease axonal type 2C. Last evaluated: 2023-09-21. Review status: criteria provided, single submitter. Criteria: Invitae Variant Classification Sherloc (09022015). Collection method: clinical testing. Allele origin: germline.
Comment: In summary, the available evidence is currently insufficient to determine the role of this variant in disease. Therefore, it has been classified as a Variant of Uncertain Significance. This sequence change replaces arginine, which is basic and polar, with proline, which is neutral and non-polar, at codon 446 of the TRPV4 protein (p.Arg446Pro). Advanced modeling of protein sequence and biophysical properties (such as structural, functional, and spatial information, amino acid conservation, physicochemical variation, residue mobility, and thermodynamic stability) has been performed at Invitae for this missense variant, however the output from this modeling did not meet the statistical confidence thresholds required to predict the impact of this variant on TRPV4 protein function. ClinVar contains an entry for this variant (Variation ID: 1719425). This variant has not been reported in the literature in individuals affected with TRPV4-related conditions. This variant is not present in population databases (gnomAD no frequency).

NM_021625.5(TRPV4):c.1337G>C (p.Arg446Pro)

Gene: TRPV4 (transient receptor potential cation channel subfamily V member 4; minus strand). Cytogenetic location: 12q24.11.
Variant type: single nucleotide variant.
Coding change: c.1337G>C on transcript NM_021625.5 (MANE Select); coding-DNA position 1337, G replaced by C.
Protein change: p.Arg446Pro; replaces arginine 446 with proline.
Molecular consequence: missense variant.
Genome position (GRCh38, 1-based): chr12:109,794,483, C>G on the plus strand (G>C on the coding strand, the complement: TRPV4 is on the minus strand). VCF-style: chr12-109794483-C-G. GRCh37 (hg19) VCF-style: chr12-110232288-C-G.
Other names: c.1196G>C, p.Arg399Pro (NM_001177428.2); c.1235G>C, p.Arg412Pro (NM_001177431.2); c.1016G>C, p.Arg339Pro (NM_001177433.2); c.1157G>C, p.Arg386Pro (NM_147204.3); short protein forms R339P, R386P, R399P, R412P, R446P.
Identifiers: ClinVar variation 1719425 (VCV001719425.5), dbSNP rs143502097, ClinGen allele CA386653269.